The following is an entry in ClinVar:

NM_014712.3(SETD1A):c.699G>A (p.Ala233=)

Gene: SETD1A (SET domain containing 1A, histone lysine methyltransferase; plus strand). Cytogenetic location: 16p11.2.
Variant type: single nucleotide variant.
Coding change: c.699G>A on transcript NM_014712.3 (MANE Select); coding-DNA position 699, G replaced by A.
Protein change: p.Ala233=; no amino-acid change (alanine 233 retained).
Molecular consequence: synonymous variant.
Genome position (GRCh38, 1-based): chr16:30,964,153, G>A. VCF-style: chr16-30964153-G-A. GRCh37 (hg19) VCF-style: chr16-30975474-G-A.
Identifiers: ClinVar variation 2646421 (VCV002646421.24), dbSNP rs145879879, ClinGen allele CA8016469.

ClinVar aggregate classification (germline): Likely benign (1 of 4 stars; one submission).

Allele frequency attached by ClinVar (database versions not stated): 1000 Genomes Project 30x 0.00031; ESP Exome Variant Server 0.00031; 1000 Genomes Project 0.00040.
gnomAD v4.1: 65 of 1,614,020 alleles (0.004%); highest among the groups gnomAD compares: African/African-American, 0.052%; no homozygotes.

Submission:

CeGaT Center for Human Genetics Tuebingen
Classification: Likely benign. Last evaluated: 2023-03-01. Review status: criteria provided, single submitter. Criteria: CeGaT Center For Human Genetics Tuebingen Variant Classification Criteria Version 2. Collection method: clinical testing. Allele origin: germline. Affected: yes. Observed: 1 variant allele.
Comment: SETD1A: BP4, BP7